The following is an entry in ClinVar:

ClinVar aggregate classification (germline): Conflicting classifications of pathogenicity. Review status: criteria provided, conflicting classifications (1 of 4 stars). 4 submissions from 4 submitters: Uncertain significance (3); Likely benign (1). Last evaluated 2026-01-10.

Conditions:
Hereditary cancer-predisposing syndrome. Also called: Tumor predisposition; Hereditary Cancer Syndrome; Hereditary neoplastic syndrome; Neoplastic Syndromes, Hereditary. Identifiers: Orphanet 140162, MedGen C0027672, MeSH D009386, MONDO:0015356.
Familial meningioma. Also called: Meningioma, familial, susceptibility to. Identifiers: Orphanet 263662, MedGen C3551915, MONDO:0011789, OMIM 607174.
Neurofibromatosis, type 2 (SWNV). Also called: SCHWANNOMATOSIS, VESTIBULAR; NF2-Related Schwannomatosis; BILATERAL ACOUSTIC NEUROFIBROMATOSIS. Identifiers: Orphanet 637, MedGen C0027832, MONDO:0007039, OMIM 101000. Disease mechanism: loss of function.

Allele frequency attached by ClinVar (database versions not stated): gnomAD exomes below 0.00001; ExAC 0.00001.
gnomAD v4.1: 1 of 1,614,186 alleles (0.000062%); highest among the groups gnomAD compares: Admixed American, 0.0017%; no homozygotes.

Submissions (4):

Labcorp Genetics (formerly Invitae), Labcorp
Classification: Likely benign for Neurofibromatosis, type 2. Last evaluated: 2026-01-10. Review status: criteria provided, single submitter. Criteria: Invitae Variant Classification Sherloc (09022015). Collection method: clinical testing. Allele origin: germline.

Baylor Genetics
Classification: Uncertain significance for Familial meningioma. Last evaluated: 2024-02-16. Review status: criteria provided, single submitter. Criteria: ACMG Guidelines, 2015. Collection method: clinical testing. Allele origin: unknown.

Ambry Genetics
Classification: Uncertain significance for Hereditary cancer-predisposing syndrome. Last evaluated: 2023-10-10. Review status: criteria provided, single submitter. Criteria: Ambry Variant Classification Scheme 2023. Collection method: clinical testing. Allele origin: germline.
Comment: The p.Q115H variant (also known as c.345A>T), located in coding exon 3 of the NF2 gene, results from an A to T substitution at nucleotide position 345. The glutamine at codon 115 is replaced by histidine, an amino acid with highly similar properties. This amino acid position is highly conserved in available vertebrate species. In addition, the in silico prediction for this alteration is inconclusive. Since supporting evidence is limited at this time, the clinical significance of this alteration remains unclear.

Genome-Nilou Lab
Classification: Uncertain significance for Neurofibromatosis, type 2. Last evaluated: 2021-11-07. Review status: criteria provided, single submitter. Criteria: ACMG Guidelines, 2015. Collection method: clinical testing. Allele origin: germline. Affected: no.

NM_000268.4(NF2):c.345A>T (p.Gln115His)

Gene: NF2 (NF2, moesin-ezrin-radixin like (MERLIN) tumor suppressor; plus strand). Cytogenetic location: 22q12.2.
Variant type: single nucleotide variant.
Coding change: c.345A>T on transcript NM_000268.4 (MANE Select); coding-DNA position 345, A replaced by T.
Protein change: p.Gln115His; replaces glutamine 115 with histidine.
Molecular consequence: missense variant. On other transcripts: non-coding transcript variant (1), intron variant (3).
Genome position (GRCh38, 1-based): chr22:29,639,194, A>T. VCF-style: chr22-29639194-A-T. GRCh37 (hg19) VCF-style: chr22-30035183-A-T.
Other names: c.345A>T, p.Gln115His (NM_016418.5, NM_181825.3, NM_181832.3 and 1 more transcripts); c.219A>T, p.Gln73His (NM_181828.3); c.240+2318A>T (NM_181829.3); c.115-3008A>T (NM_181830.3, NM_181831.3); short protein forms Q115H, Q73H.
Identifiers: ClinVar variation 412211 (VCV000412211.19), dbSNP rs746369012, ClinGen allele CA030265.
Genomic context (GRCh38, chr22:29,639,194, plus strand): 5'-CTTCTTGGCCAAATTTTATCCTGAGAATGCTGAAGAGGAGCTGGTTCAGGAGATCACACA[A>T]CATTTATTCTTCTTACAGGTACATCAGTCAAGGCTACCCCCCAGTTCTGAGAGAACTTGC-3'
Protein context (NP_000259.1, residues 105-125): AEEELVQEIT[Gln115His]HLFFLQVKKQ